The following is an entry in ClinVar:

ClinVar aggregate classification (germline): Uncertain significance. Review status: criteria provided, multiple submitters, no conflicts (2 of 4 stars). 3 submissions from 3 submitters: Uncertain significance (3). Last evaluated 2026-01-07.

Conditions:
Epileptic encephalopathy. Identifiers: MedGen C0543888, HP:0200134.

Allele frequency attached by ClinVar (database versions not stated): ESP Exome Variant Server 0.00031; TOPMed 0.00010.
gnomAD v4.1: 287 of 1,595,104 alleles (0.018%); highest among the groups gnomAD compares: Admixed American, 0.023%; no homozygotes.

Submissions (4):

Labcorp Genetics (formerly Invitae), Labcorp
Classification: Uncertain significance for Epileptic encephalopathy. Last evaluated: 2026-01-07. Review status: criteria provided, single submitter. Criteria: Invitae Variant Classification Sherloc (09022015). Collection method: clinical testing. Allele origin: germline.
Comment: This sequence change replaces arginine, which is basic and polar, with glutamine, which is neutral and polar, at codon 1349 of the FASN protein (p.Arg1349Gln). This variant is present in population databases (rs139276176, gnomAD 0.02%). This variant has not been reported in the literature in individuals affected with FASN-related conditions. ClinVar contains an entry for this variant (Variation ID: 574718). An algorithm developed to predict the effect of missense changes on protein structure and function outputs the following: PolyPhen-2: "Benign". The glutamine amino acid residue is found in multiple mammalian species, which suggests that this missense change does not adversely affect protein function. In summary, the available evidence is currently insufficient to determine the role of this variant in disease. Therefore, it has been classified as a Variant of Uncertain Significance.

Ambry Genetics
Classification: Uncertain significance. Last evaluated: 2025-08-07. Review status: criteria provided, single submitter. Criteria: Ambry Variant Classification Scheme 2023. Collection method: clinical testing. Allele origin: germline.

Breakthrough Genomics
Classification: Uncertain significance. Review status: criteria provided, single submitter. Criteria: ACMG Guidelines, 2015. Collection method: not provided. Allele origin: germline. Inheritance: Unknown mechanism. Affected: yes.

Dr. Peter K. Rogan Lab, Western University
No classification provided (evidence only). Condition: Sarcoma. Review status: no classification provided. Collection method: in vitro. Allele origin: not applicable. Functional consequence: retained intron. Not counted in ClinVar's aggregate classification.

NM_004104.5(FASN):c.4046G>A (p.Arg1349Gln)

Gene: FASN (fatty acid synthase; minus strand). Cytogenetic location: 17q25.3.
Variant type: single nucleotide variant.
Coding change: c.4046G>A on transcript NM_004104.5 (MANE Select); coding-DNA position 4046, G replaced by A.
Protein change: p.Arg1349Gln; replaces arginine 1349 with glutamine.
Molecular consequence: missense variant.
Genome position (GRCh38, 1-based): chr17:82,085,558, C>T on the plus strand (G>A on the coding strand, the complement: FASN is on the minus strand). VCF-style: chr17-82085558-C-T. GRCh37 (hg19) VCF-style: chr17-80043434-C-T.
Other names: short protein forms R1349Q.
Identifiers: ClinVar variation 574718 (VCV000574718.12), dbSNP rs139276176, ClinGen allele CA8852220.